The following is an entry in ClinVar:

NM_020320.5(RARS2):c.826_842dup (p.Lys281delinsAsnLeuLysArgSerTer)

Gene: RARS2 (arginyl-tRNA synthetase 2, mitochondrial; minus strand). Cytogenetic location: 6q15.
Variant type: Duplication.
Coding change: c.826_842dup on transcript NM_020320.5 (MANE Select); coding-DNA positions 826 to 842, 17 bases duplicated (TCTCAAGAGGTCTTAAA).
Protein change: p.Lys281delinsAsnLeuLysArgSerTer.
Molecular consequence: nonsense. On other transcripts: non-coding transcript variant (23).
Genome position (GRCh38, 1-based): chr6:87,529,578-87,529,594, TTTAAGACCTCTTGAGA duplicated on the plus strand (TCTCAAGAGGTCTTAAA on the coding strand, the reverse complement: RARS2 is on the minus strand); duplicating any 17 consecutive bases within chr6:87,529,578-87,529,597 gives the same sequence; the c. name uses the placement nearest the transcript's 3' end. VCF-style (leftmost placement, unchanged base first): chr6-87529577-C-CTTTAAGACCTCTTGAGA. GRCh37 (hg19) VCF-style: chr6-88239295-C-CTTTAAGACCTCTTGAGA.
Other names: c.826_842dup (NM_020320.4); c.301_317dup, p.Lys106delinsAsnLeuLysArgSerTer (NM_001318785.2, NM_001350506.2, NM_001350507.2 and 4 more transcripts); c.826_842dup, p.Lys281delinsAsnLeuLysArgSerTer (NM_001350505.2).
Identifiers: ClinVar variation 2678268 (VCV002678268.4), dbSNP rs1360901964, ClinGen allele CA829280793.
Genomic context (GRCh38, chr6:87,529,577, plus strand): 5'-CTGAAGAATAGTAACCTGATCATACATTGTTTTCAGTAGGAGTCCTTTACTCTCCAGCAA[C>CTTTAAGACCTCTTGAGA]TTTAAGACCTCTTGAGATTTTTCACGATAAAATGATTCTCCTGAATATTCATCAAAATAT-3'

ClinVar aggregate classification (germline): Pathogenic. Review status: criteria provided, multiple submitters, no conflicts (2 of 4 stars). 3 submissions from 3 submitters: Pathogenic (3). Last evaluated 2025-11-10.

Conditions:
Pontocerebellar hypoplasia type 6 (PCH6). Identifiers: Orphanet 166073, MedGen C1969084, MONDO:0012683, OMIM 611523.

Submissions (3):

Natera, Inc.
Classification: Pathogenic for Pontocerebellar hypoplasia, type 6. Last evaluated: 2025-11-10. Review status: criteria provided, single submitter. Criteria: Natera Variant Classification Schema (03/2026). Collection method: clinical testing. Allele origin: germline.
Comment: The c.826_842dup variant in RARS2 is a frameshift variant predicted to shift the reading frame beginning at codon 281 and leads to a stop codon 6 codons downstream. This variant is expected to result in nonsense mediated decay, truncation, or a dysfunctional protein product. This variant is rare in the general population with a frequency below the threshold expected for the associated phenotype(s). This variant has been observed in one or more individuals affected with the associated recessive disease, as either homozygous or compound heterozygous with a second variant (PMID: 31618753). Given the available evidence, this variant is classified as Pathogenic.

Fulgent Genetics
Classification: Pathogenic for Pontocerebellar hypoplasia type 6. Last evaluated: 2024-04-16. Review status: criteria provided, single submitter. Criteria: ACMG Guidelines, 2015. Collection method: clinical testing. Allele origin: germline.

Baylor Genetics
Classification: Pathogenic for Pontocerebellar hypoplasia type 6. Last evaluated: 2022-12-04. Review status: criteria provided, single submitter. Criteria: ACMG Guidelines, 2015. Collection method: clinical testing. Allele origin: unknown.

Literature cited by the submitters: PubMed 31618753 (cited by Natera, Inc.).